The following is an entry in ClinVar:

NM_000297.4(PKD2):c.1027G>T (p.Glu343Ter)

Gene: PKD2 (polycystin 2, transient receptor potential cation channel; plus strand). Cytogenetic location: 4q22.1.
Variant type: single nucleotide variant.
Coding change: c.1027G>T on transcript NM_000297.4 (MANE Select); coding-DNA position 1027, G replaced by T.
Protein change: p.Glu343Ter; replaces glutamic acid 343 with a stop codon.
Molecular consequence: nonsense. On other transcripts: non-coding transcript variant (1).
Genome position (GRCh38, 1-based): chr4:88,038,434, G>T. VCF-style: chr4-88038434-G-T. GRCh37 (hg19) VCF-style: chr4-88959586-G-T.
Other names: short protein forms E343*.
Identifiers: ClinVar variation 3236808 (VCV003236808.1), dbSNP rs2110107239.

ClinVar aggregate classification (germline): Pathogenic (1 of 4 stars; one submission).

Conditions:
Polycystic kidney disease 2 (PKD2). Also called: Polycystic Kidney Disease 2, Autosomal Dominant; POLYCYSTIC KIDNEY DISEASE 2 WITH OR WITHOUT POLYCYSTIC LIVER DISEASE; POLYCYSTIC KIDNEY DISEASE, ADULT, TYPE II. Identifiers: MedGen C2751306, MONDO:0013131, OMIM 613095.

Submission:

MVZ Medizinische Genetik Mainz
Classification: Pathogenic for Polycystic kidney disease 2. Last evaluated: 2023-09-20. Review status: criteria provided, single submitter. Criteria: UK Practice Guidelines For Variant Classification V4 01 2020. Collection method: clinical testing. Allele origin: germline. Inheritance: Autosomal dominant inheritance. Affected: yes. Observed: 1 variant allele.
Comment: ACMG Criteria: PVS1,PM2_SUP,PP4